The following is an entry in ClinVar:

NM_020774.4(MIB1):c.843A>T (p.Thr281=)

Gene: MIB1 (MIB E3 ubiquitin protein ligase 1; plus strand). Cytogenetic location: 18q11.2.
Variant type: single nucleotide variant.
Coding change: c.843A>T on transcript NM_020774.4 (MANE Select); coding-DNA position 843, A replaced by T.
Protein change: p.Thr281=; no amino-acid change (threonine 281 retained).
Molecular consequence: synonymous variant.
Genome position (GRCh38, 1-based): chr18:21,779,620, A>T. VCF-style: chr18-21779620-A-T. GRCh37 (hg19) VCF-style: chr18-19359581-A-T.
Identifiers: ClinVar variation 506382 (VCV000506382.13), dbSNP rs137957940, ClinGen allele CA8908129.
Genomic context (GRCh38, chr18:21,779,620, plus strand): 5'-ACAGTCTTTGCAGCATGGTCATGGAGGATGGACTGATGGAATGTTTGAGACTTTAACTAC[A>T]ACTGGAACTGTTTGTGGCATTGATGAAGATCATGACATTGTAGTACAGTATCCAAGTGGC-3'
Protein context (NP_065825.1, residues 271-291): WTDGMFETLT[Thr281=]TGTVCGIDED

ClinVar aggregate classification (germline): Benign/Likely benign. Review status: criteria provided, multiple submitters, no conflicts (2 of 4 stars). 7 submissions from 7 submitters: Benign (1); Likely benign (3). 3 of the submissions do not count toward it. Last evaluated 2022-02-14.

Conditions:
Inborn genetic diseases. Identifiers: MedGen C0950123, MeSH D030342.
Left ventricular noncompaction 7 (LVNC7). Identifiers: Orphanet 54260, MedGen C3554496, MONDO:0014042, OMIM 615092.

Allele frequency attached by ClinVar (database versions not stated): gnomAD exomes 0.00017 and 0.00051; ExAC 0.00061; 1000 Genomes Project 0.00180; 1000 Genomes Project 30x 0.00187; gnomAD 0.00214 and 0.00231; TOPMed 0.00232; ESP Exome Variant Server 0.00246.

Submissions (7):

Ambry Genetics
Classification: Likely benign for Inborn genetic diseases. Last evaluated: 2022-02-14. Review status: criteria provided, single submitter. Criteria: Ambry Variant Classification Scheme 2023. Collection method: clinical testing. Allele origin: germline.

Labcorp Genetics (formerly Invitae), Labcorp
Classification: Benign. Last evaluated: 2019-12-31. Review status: criteria provided, single submitter. Criteria: Invitae Variant Classification Sherloc (09022015). Collection method: clinical testing. Allele origin: germline.

GeneDx
Classification: Likely benign. Last evaluated: 2017-12-14. Review status: criteria provided, single submitter. Criteria: GeneDx Variant Classification (06012015). Collection method: clinical testing. Allele origin: germline. Affected: yes.
Comment: This variant is considered likely benign or benign based on one or more of the following criteria: it is a conservative change, it occurs at a poorly conserved position in the protein, it is predicted to be benign by multiple in silico algorithms, and/or has population frequency not consistent with disease.

Clinical Genetics DNA and cytogenetics Diagnostics Lab, Erasmus MC, Erasmus Medical Center
Classification: Likely benign for Left ventricular noncompaction 7. Last evaluated: 2017-06-28. Review status: criteria provided, single submitter. Criteria: ACGS Guidelines, 2013. Collection method: clinical testing. Allele origin: germline. Affected: yes. Study: VKGL Data-share Consensus.

Clinical Genetics, Academic Medical Center
Classification: Benign. Review status: no assertion criteria provided. Collection method: clinical testing. Allele origin: germline. Affected: yes. Study: VKGL Data-share Consensus. Not counted in ClinVar's aggregate classification.

Genome Diagnostics Laboratory, University Medical Center Utrecht
Classification: Likely benign. Review status: no assertion criteria provided. Collection method: clinical testing. Allele origin: germline. Affected: yes. Study: VKGL Data-share Consensus. Not counted in ClinVar's aggregate classification.

Joint Genome Diagnostic Labs from Nijmegen and Maastricht, Radboudumc and MUMC+
Classification: Benign. Review status: no assertion criteria provided. Collection method: clinical testing. Allele origin: germline. Affected: yes. Study: VKGL Data-share Consensus. Not counted in ClinVar's aggregate classification.